The following is an entry in ClinVar:

ClinVar aggregate classification (germline): Uncertain significance (1 of 4 stars; one submission).

Conditions:
Proteosome-associated autoinflammatory syndrome. Also called: Proteasome-associated autoinflammatory syndrome. Identifiers: Orphanet 324977, MedGen C1850568, MONDO:0009726.

Submission:

Labcorp Genetics (formerly Invitae), Labcorp
Classification: Uncertain significance for Proteosome-associated autoinflammatory syndrome. Last evaluated: 2024-10-22. Review status: criteria provided, single submitter. Criteria: Invitae Variant Classification Sherloc (09022015). Collection method: clinical testing. Allele origin: germline.
Comment: This sequence change replaces leucine, which is neutral and non-polar, with proline, which is neutral and non-polar, at codon 57 of the PSMB8 protein (p.Leu57Pro). This variant is not present in population databases (gnomAD no frequency). This variant has not been reported in the literature in individuals affected with PSMB8-related conditions. ClinVar contains an entry for this variant (Variation ID: 1047618). An algorithm developed to predict the effect of missense changes on protein structure and function (PolyPhen-2) suggests that this variant¬†is likely to be tolerated. In summary, the available evidence is currently insufficient to determine the role of this variant in disease. Therefore, it has been classified as a Variant of Uncertain Significance.

NM_148919.4(PSMB8):c.170T>C (p.Leu57Pro)

Gene: PSMB8 (proteasome 20S subunit beta 8; minus strand). Cytogenetic location: 6p21.32.
Variant type: single nucleotide variant.
Coding change: c.170T>C on transcript NM_148919.4 (MANE Select); coding-DNA position 170, T replaced by C.
Protein change: p.Leu57Pro; replaces leucine 57 with proline.
Molecular consequence: missense variant.
Genome position (GRCh38, 1-based): chr6:32,843,067, A>G on the plus strand (T>C on the coding strand, the complement: PSMB8 is on the minus strand). VCF-style: chr6-32843067-A-G. GRCh37 (hg19) VCF-style: chr6-32810844-A-G.
Other names: c.158T>C, p.Leu53Pro (NM_004159.5); short protein forms L53P, L57P.
Identifiers: ClinVar variation 1047618 (VCV001047618.10), dbSNP rs1770032427, ClinGen allele CA363589572.